The following is an entry in ClinVar:

ClinVar aggregate classification (germline): Uncertain significance. Review status: criteria provided, multiple submitters, no conflicts (2 of 4 stars). 3 submissions from 3 submitters: Uncertain significance (3). Last evaluated 2024-06-03.

Conditions:
Xanthinuria type II. Also called: Xanthine dehydrogenase and aldehyde oxidase combined deficiency of; XDH and AOX dual deficiency. Identifiers: Orphanet 3467, Orphanet 93602, MedGen C1863688, MONDO:0011346, OMIM 603592.

Allele frequency attached by ClinVar (database versions not stated): ExAC 0.00016; gnomAD exomes 0.00016 and 0.00030; gnomAD 0.00019 and 0.00020; ESP Exome Variant Server 0.00031.
gnomAD v4.1: 462 of 1,614,052 alleles (0.029%); highest among the groups gnomAD compares: Non-Finnish European, 0.037%; no homozygotes.

Submissions (3):

GeneDx
Classification: Uncertain significance. Last evaluated: 2024-06-03. Review status: criteria provided, single submitter. Criteria: GeneDx Variant Classification Process June 2021. Collection method: clinical testing. Allele origin: germline. Affected: yes.
Comment: In silico analysis indicates that this missense variant does not alter protein structure/function; Has not been previously published as pathogenic or benign in association with MOCOS-related xanthinuria to our knowledge; This variant is associated with the following publications: (PMID: 28719003, 26740555)

Ambry Genetics
Classification: Uncertain significance. Last evaluated: 2024-04-01. Review status: criteria provided, single submitter. Criteria: Ambry Variant Classification Scheme 2023. Collection method: clinical testing. Allele origin: germline.

Labcorp Genetics (formerly Invitae), Labcorp
Classification: Uncertain significance for Xanthinuria type II. Last evaluated: 2022-01-12. Review status: criteria provided, single submitter. Criteria: Invitae Variant Classification Sherloc (09022015). Collection method: clinical testing. Allele origin: germline.
Comment: This sequence change replaces arginine, which is basic and polar, with histidine, which is basic and polar, at codon 280 of the MOCOS protein (p.Arg280His). This variant is present in population databases (rs141020986, gnomAD 0.03%). This variant has not been reported in the literature in individuals affected with MOCOS-related conditions. Algorithms developed to predict the effect of missense changes on protein structure and function output the following: SIFT: "Tolerated"; PolyPhen-2: "Benign"; Align-GVGD: "Class C0". The histidine amino acid residue is found in multiple mammalian species, which suggests that this missense change does not adversely affect protein function. In summary, the available evidence is currently insufficient to determine the role of this variant in disease. Therefore, it has been classified as a Variant of Uncertain Significance.

NM_017947.4(MOCOS):c.839G>A (p.Arg280His)

Gene: MOCOS (molybdenum cofactor sulfurase; plus strand). Cytogenetic location: 18q12.2.
Variant type: single nucleotide variant.
Coding change: c.839G>A on transcript NM_017947.4 (MANE Select); coding-DNA position 839, G replaced by A.
Protein change: p.Arg280His; replaces arginine 280 with histidine.
Molecular consequence: missense variant.
Genome position (GRCh38, 1-based): chr18:36,200,222, G>A. VCF-style: chr18-36200222-G-A. GRCh37 (hg19) VCF-style: chr18-33780185-G-A.
Other names: c.839G>A (NM_017947.2); short protein forms R280H.
Identifiers: ClinVar variation 1346338 (VCV001346338.8), dbSNP rs141020986, ClinGen allele CA8940519.